The following is an entry in ClinVar:

NM_000525.4(KCNJ11):c.1125G>C (p.Met375Ile)

Gene: KCNJ11 (potassium inwardly rectifying channel subfamily J member 11; minus strand). Cytogenetic location: 11p15.1.
Variant type: single nucleotide variant.
Coding change: c.1125G>C on transcript NM_000525.4 (MANE Select); coding-DNA position 1125, G replaced by C.
Protein change: p.Met375Ile; replaces methionine 375 with isoleucine.
Molecular consequence: missense variant.
Genome position (GRCh38, 1-based): chr11:17,386,967, C>G on the plus strand (G>C on the coding strand, the complement: KCNJ11 is on the minus strand). VCF-style: chr11-17386967-C-G. GRCh37 (hg19) VCF-style: chr11-17408514-C-G.
Other names: c.864G>C, p.Met288Ile (NM_001166290.2, NM_001377296.1, NM_001377297.1); short protein forms M375I, M288I.
Identifiers: ClinVar variation 4041648 (VCV004041648.1).

ClinVar aggregate classification (germline): Uncertain significance (1 of 4 stars; one submission).

Conditions:
Inborn genetic diseases. Identifiers: MedGen C0950123, MeSH D030342.

gnomAD v4.1: 4 of 1,613,436 alleles (0.00025%); highest among the groups gnomAD compares: Non-Finnish European, 0.000085%; no homozygotes.

Submission:

Ambry Genetics
Classification: Uncertain significance for Inborn genetic diseases. Last evaluated: 2025-05-14. Review status: criteria provided, single submitter. Criteria: Ambry Variant Classification Scheme 2023. Collection method: clinical testing. Allele origin: germline.
Comment: The p.M375I variant (also known as c.1125G>C), located in coding exon 1 of the KCNJ11 gene, results from a G to C substitution at nucleotide position 1125. The methionine at codon 375 is replaced by isoleucine, an amino acid with highly similar properties. This amino acid position is conserved. In addition, this alteration is predicted to be tolerated by in silico analysis. Based on the available evidence, the clinical significance of this variant remains unclear.